The following is an entry in ClinVar:

ClinVar aggregate classification (germline): Conflicting classifications of pathogenicity. Review status: criteria provided, conflicting classifications (1 of 4 stars). 3 submissions from 3 submitters: Likely pathogenic (1); Uncertain significance (2). Last evaluated 2025-11-09.

Conditions:
Atrial fibrillation, familial, 7 (ATFB7). Identifiers: MedGen C2677106, MONDO:0012828, OMIM 612240.

Allele frequency attached by ClinVar (database versions not stated): ExAC 0.00001; TOPMed 0.00002; gnomAD 0.00004 and 0.00003; gnomAD exomes 0.00001.

Submissions (3):

Labcorp Genetics (formerly Invitae), Labcorp
Classification: Uncertain significance for Atrial fibrillation, familial, 7. Last evaluated: 2025-11-09. Review status: criteria provided, single submitter. Criteria: Invitae Variant Classification Sherloc (09022015). Collection method: clinical testing. Allele origin: germline.
Comment: This sequence change creates a premature translational stop signal (p.Glu208*) in the KCNA5 gene. While this is not anticipated to result in nonsense mediated decay, it is expected to disrupt the last 406 amino acid(s) of the KCNA5 protein. This variant is present in population databases (rs745920419, gnomAD 0.002%). This premature translational stop signal has been observed in individual(s) with pulmonary hypertension and/or sarcoidosis (PMID: 24936649, 24950668). ClinVar contains an entry for this variant (Variation ID: 657442). In summary, the available evidence is currently insufficient to determine the role of this variant in disease. Therefore, it has been classified as a Variant of Uncertain Significance.

Genomic Medicine Center of Excellence, King Faisal Specialist Hospital and Research Centre
Classification: Uncertain significance for Atrial fibrillation, familial, 7. Last evaluated: 2025-09-10. Review status: criteria provided, single submitter. Criteria: ACMG Guidelines, 2015. Collection method: clinical testing. Allele origin: germline.

AiLife Diagnostics
Classification: Likely pathogenic. Last evaluated: 2022-01-29. Review status: criteria provided, single submitter. Criteria: ACMG Guidelines, 2015. Collection method: clinical testing. Allele origin: germline. Affected: yes. Observed: 1 variant allele.

Literature cited by the submitters: PubMed 24936649 (cited by Labcorp Genetics (formerly Invitae), Labcorp and AiLife Diagnostics); PubMed 24950668 (cited by Labcorp Genetics (formerly Invitae), Labcorp and AiLife Diagnostics).

NM_002234.4(KCNA5):c.622G>T (p.Glu208Ter)

Gene: KCNA5 (potassium voltage-gated channel subfamily A member 5; plus strand). Cytogenetic location: 12p13.32.
Variant type: single nucleotide variant.
Coding change: c.622G>T on transcript NM_002234.4 (MANE Select); coding-DNA position 622, G replaced by T.
Protein change: p.Glu208Ter; replaces glutamic acid 208 with a stop codon.
Molecular consequence: nonsense.
Genome position (GRCh38, 1-based): chr12:5,044,769, G>T. VCF-style: chr12-5044769-G-T. GRCh37 (hg19) VCF-style: chr12-5153935-G-T.
Other names: short protein forms E208*.
Identifiers: ClinVar variation 657442 (VCV000657442.12), dbSNP rs745920419, ClinGen allele CA6399676.